The following is an entry in ClinVar:

NM_000138.5(FBN1):c.7533T>C (p.Cys2511=)

Gene: FBN1 (fibrillin 1; minus strand). Cytogenetic location: 15q21.1.
Variant type: single nucleotide variant.
Coding change: c.7533T>C on transcript NM_000138.5 (MANE Select); coding-DNA position 7533, T replaced by C.
Protein change: p.Cys2511=; no amino-acid change (cysteine 2511 retained).
Molecular consequence: synonymous variant.
Genome position (GRCh38, 1-based): chr15:48,421,989, A>G on the plus strand (T>C on the coding strand, the complement: FBN1 is on the minus strand). VCF-style: chr15-48421989-A-G. GRCh37 (hg19) VCF-style: chr15-48714186-A-G.
Identifiers: ClinVar variation 495648 (VCV000495648.11), dbSNP rs750331217, ClinGen allele CA058749.

ClinVar aggregate classification (germline): Likely benign. Review status: criteria provided, multiple submitters, no conflicts (2 of 4 stars). 6 submissions from 6 submitters: Likely benign (6). Last evaluated 2025-10-23.

Conditions:
Weill-Marchesani syndrome 2, dominant. Also called: FBN1-Related Weill-Marchesani Syndrome; Weill-Marchesani Syndrome, Autosomal Dominant. Identifiers: Orphanet 2084, MedGen C1869115, MONDO:0012013, OMIM 608328.
Ectopia lentis 1, isolated, autosomal dominant (ECTOL1). Identifiers: Orphanet 1885, MedGen C3541518, MONDO:0007514, OMIM 129600.
Marfan syndrome (MFS). Also called: MARFAN SYNDROME, TYPE I; FBN1-Related Marfan Syndrome; Marfan syndrome type 1; Marfan's syndrome; Marfan syndrome, classic. Identifiers: Orphanet 284963, Orphanet 558, MedGen C0024796, MONDO:0007947, OMIM 154700.
Stiff skin syndrome (SSKS). Identifiers: Orphanet 2833, MedGen C1861456, MONDO:0008492, OMIM 184900.
Acromicric dysplasia (ACMICD). Also called: Acromicric skeletal dysplasia. Identifiers: Orphanet 969, MedGen C0265287, MONDO:0007055, OMIM 102370.
Progeroid and marfanoid aspect-lipodystrophy syndrome. Also called: MARFANOID-PROGEROID SYNDROME; MARFAN-PROGEROID-LIPODYSTROPHY SYNDROME; Marfan lipodystrophy syndrome; MARFANOID-PROGEROID-LIPODYSTROPHY SYNDROME. Identifiers: Orphanet 300382, MedGen C4310796, MONDO:0014831, OMIM 616914.
MASS syndrome (OCTD). Also called: MASS PHENOTYPE; OVERLAP CONNECTIVE TISSUE DISEASE. Identifiers: MedGen C1858556, MONDO:0011431, OMIM 604308.
Geleophysic dysplasia 2 (GPHYSD2). Identifiers: Orphanet 2623, MedGen C3280054, MONDO:0013612, OMIM 614185.
Familial thoracic aortic aneurysm and aortic dissection (TAAD). Also called: Thoracic aortic aneurysms and dissections. Identifiers: Orphanet 91387, MedGen C4707243, MONDO:0019625.

Allele frequency attached by ClinVar (database versions not stated): TOPMed 0.00001; gnomAD exomes 0.00002 and 0.00001; ExAC 0.00001; gnomAD 0.00002.
gnomAD v4.1: 33 of 1,613,950 alleles (0.002%); highest among the groups gnomAD compares: Non-Finnish European, 0.0025%; no homozygotes.

Submissions (6):

Labcorp Genetics (formerly Invitae), Labcorp
Classification: Likely benign for Marfan syndrome; Familial thoracic aortic aneurysm and aortic dissection. Last evaluated: 2025-10-23. Review status: criteria provided, single submitter. Criteria: Invitae Variant Classification Sherloc (09022015). Collection method: clinical testing. Allele origin: germline.

All of Us Research Program, National Institutes of Health
Classification: Likely benign for Marfan syndrome. Last evaluated: 2024-01-11. Review status: criteria provided, single submitter. Criteria: ACMG Guidelines, 2015. Collection method: clinical testing. Allele origin: germline. Inheritance: Autosomal dominant inheritance. Observed: 4 variant alleles, 4 heterozygotes.
Comment: This study involves interpretation of variants in research participants for the purpose of population health screening. Participant phenotype was not available at the time of variant classification. Additional details can be found in publication PMID: 35346344, PMCID: PMC8962531

Ambry Genetics
Classification: Likely benign for Familial thoracic aortic aneurysm and aortic dissection. Last evaluated: 2023-01-08. Review status: criteria provided, single submitter. Criteria: Ambry Variant Classification Scheme 2023. Collection method: clinical testing. Allele origin: germline.

Fulgent Genetics
Classification: Likely benign for Acromicric dysplasia; Ectopia lentis 1, isolated, autosomal dominant; Marfan syndrome; Stiff skin syndrome; MASS syndrome; Weill-Marchesani syndrome 2, dominant; Geleophysic dysplasia 2; Progeroid and marfanoid aspect-lipodystrophy syndrome. Last evaluated: 2021-08-04. Review status: criteria provided, single submitter. Criteria: ACMG Guidelines, 2015. Collection method: clinical testing. Allele origin: unknown.

Women's Health and Genetics/Laboratory Corporation of America, LabCorp
Classification: Likely benign. Last evaluated: 2019-08-28. Review status: criteria provided, single submitter. Criteria: LabCorp Variant Classification Summary - May 2015. Collection method: clinical testing. Allele origin: germline.

Color Diagnostics, LLC DBA Color Health
Classification: Likely benign for Familial thoracic aortic aneurysm and aortic dissection. Last evaluated: 2018-12-21. Review status: criteria provided, single submitter. Criteria: ACMG Guidelines, 2015. Collection method: clinical testing. Allele origin: germline.